The following is an entry in ClinVar:

ClinVar aggregate classification (germline): Uncertain significance. Review status: criteria provided, multiple submitters, no conflicts (2 of 4 stars). 3 submissions from 3 submitters: Uncertain significance (3). Last evaluated 2025-03-17.

Conditions:
Inborn genetic diseases. Identifiers: MedGen C0950123, MeSH D030342.
DCHS1-related disorder. Also called: DCHS1-related condition.

Allele frequency attached by ClinVar (database versions not stated): ExAC 0.00001; TOPMed 0.00001; gnomAD 0.00002.
gnomAD v4.1: 7 of 1,613,932 alleles (0.00043%); highest among the groups gnomAD compares: Admixed American, 0.0033%; no homozygotes.

Submissions (3):

Ambry Genetics
Classification: Uncertain significance for Inborn genetic diseases. Last evaluated: 2025-03-17. Review status: criteria provided, single submitter. Criteria: Ambry Variant Classification Scheme 2023. Collection method: clinical testing. Allele origin: germline.

PreventionGenetics, part of Exact Sciences
Classification: Uncertain significance for DCHS1-related condition. Last evaluated: 2025-02-14. Review status: criteria provided, single submitter. Criteria: ACMG Guidelines, 2015. Collection method: clinical testing. Allele origin: germline.
Comment: The DCHS1 c.710C>G variant is predicted to result in the amino acid substitution p.Ala237Gly. To our knowledge, this variant has not been reported in the literature. This variant is reported in three alleles out of ~283,000 alleles in gnomAD. At this time, the clinical significance of this variant is uncertain due to the absence of conclusive functional and genetic evidence.

Labcorp Genetics (formerly Invitae), Labcorp
Classification: Uncertain significance. Last evaluated: 2024-11-11. Review status: criteria provided, single submitter. Criteria: Invitae Variant Classification Sherloc (09022015). Collection method: clinical testing. Allele origin: germline.
Comment: This sequence change replaces alanine, which is neutral and non-polar, with glycine, which is neutral and non-polar, at codon 237 of the DCHS1 protein (p.Ala237Gly). This variant is present in population databases (rs769380266, gnomAD no frequency). This variant has not been reported in the literature in individuals affected with DCHS1-related conditions. ClinVar contains an entry for this variant (Variation ID: 1942267). Invitae Evidence Modeling of protein sequence and biophysical properties (such as structural, functional, and spatial information, amino acid conservation, physicochemical variation, residue mobility, and thermodynamic stability) indicates that this missense variant is not expected to disrupt DCHS1 protein function with a negative predictive value of 95%. In summary, the available evidence is currently insufficient to determine the role of this variant in disease. Therefore, it has been classified as a Variant of Uncertain Significance.

NM_003737.4(DCHS1):c.710C>G (p.Ala237Gly)

Gene: DCHS1 (dachsous cadherin-related 1; minus strand). Cytogenetic location: 11p15.4.
Variant type: single nucleotide variant.
Coding change: c.710C>G on transcript NM_003737.4 (MANE Select); coding-DNA position 710, C replaced by G.
Protein change: p.Ala237Gly; replaces alanine 237 with glycine.
Molecular consequence: missense variant.
Genome position (GRCh38, 1-based): chr11:6,640,904, G>C on the plus strand (C>G on the coding strand, the complement: DCHS1 is on the minus strand). VCF-style: chr11-6640904-G-C. GRCh37 (hg19) VCF-style: chr11-6662135-G-C.
Other names: c.710C>G (NM_003737.2, NM_003737.3); short protein forms A237G.
Identifiers: ClinVar variation 1942267 (VCV001942267.7), dbSNP rs769380266, ClinGen allele CA5861100.